The following is an entry in ClinVar:

NM_004360.5(CDH1):c.2245C>A (p.Arg749=)

Gene: CDH1 (cadherin 1; plus strand). Cytogenetic location: 16q22.1.
Variant type: single nucleotide variant.
Coding change: c.2245C>A on transcript NM_004360.5 (MANE Select); coding-DNA position 2245, C replaced by A.
Protein change: p.Arg749=; no amino-acid change (arginine 749 retained).
Molecular consequence: synonymous variant.
Genome position (GRCh38, 1-based): chr16:68,828,254, C>A. VCF-style: chr16-68828254-C-A. GRCh37 (hg19) VCF-style: chr16-68862157-C-A.
Other names: c.2062C>A, p.Arg688= (NM_001317184.2); c.697C>A, p.Arg233= (NM_001317185.2); c.280C>A, p.Arg94= (NM_001317186.2).
Identifiers: ClinVar variation 1788332 (VCV001788332.3), dbSNP rs776975632, ClinGen allele CA496157170.

ClinVar aggregate classification (germline): Benign/Likely benign. Review status: criteria provided, multiple submitters, no conflicts (2 of 4 stars). 2 submissions from 2 submitters: Benign (1); Likely benign (1). Last evaluated 2024-09-23.

Conditions:
Hereditary cancer-predisposing syndrome. Also called: Tumor predisposition; Neoplastic Syndromes, Hereditary; Hereditary Cancer Syndrome; Hereditary neoplastic syndrome. Identifiers: Orphanet 140162, MedGen C0027672, MeSH D009386, MONDO:0015356.
Hereditary diffuse gastric adenocarcinoma (HDGC). Also called: DIFFUSE GASTRIC AND LOBULAR BREAST CANCER SYNDROME. Identifiers: Orphanet 26106, MedGen C1708349, MONDO:0007648, OMIM 137215.

Submissions (2):

Myriad Genetics, Inc.
Classification: Benign for Hereditary diffuse gastric adenocarcinoma. Last evaluated: 2024-09-23. Review status: criteria provided, single submitter. Criteria: Myriad Autosomal Dominant, Autosomal Recessive and X-Linked Classification Criteria (2023). Collection method: clinical testing. Allele origin: unknown.
Comment: This variant is considered benign. This variant is a silent/synonymous amino acid change and it is not expected to impact splicing.

Ambry Genetics
Classification: Likely benign for Hereditary cancer-predisposing syndrome. Last evaluated: 2022-09-27. Review status: criteria provided, single submitter. Criteria: Ambry Variant Classification Scheme 2023. Collection method: clinical testing. Allele origin: germline.